The following is an entry in ClinVar:

ClinVar aggregate classification (germline): Uncertain significance (1 of 4 stars; one submission).

Conditions:
Metachromatic leukodystrophy (MLD). Also called: ARSA DEFICIENCY; CEREBROSIDE SULFATASE DEFICIENCY; Cerebral sclerosis diffuse metachromatic form; Arylsulfatase A Deficiency; METACHROMATIC LEUKOENCEPHALOPATHY; SULFATIDE LIPIDOSIS. Identifiers: Orphanet 512, MedGen C0023522, MONDO:0018868, OMIM 250100.

Submission:

Labcorp Genetics (formerly Invitae), Labcorp
Classification: Uncertain significance for Metachromatic leukodystrophy. Last evaluated: 2022-07-05. Review status: criteria provided, single submitter. Criteria: Invitae Variant Classification Sherloc (09022015). Collection method: clinical testing. Allele origin: germline.
Comment: In summary, the available evidence is currently insufficient to determine the role of this variant in disease. Therefore, it has been classified as a Variant of Uncertain Significance. Algorithms developed to predict the effect of sequence changes on RNA splicing suggest that this variant may disrupt the consensus splice site. Advanced modeling of protein sequence and biophysical properties (such as structural, functional, and spatial information, amino acid conservation, physicochemical variation, residue mobility, and thermodynamic stability) performed at Invitae indicates that this missense variant is expected to disrupt ARSA protein function. This variant has not been reported in the literature in individuals affected with ARSA-related conditions. This variant is not present in population databases (gnomAD no frequency). This sequence change replaces proline, which is neutral and non-polar, with arginine, which is basic and polar, at codon 233 of the ARSA protein (p.Pro233Arg).

NM_000487.6(ARSA):c.698C>G (p.Pro233Arg)

Gene: ARSA (arylsulfatase A; minus strand). Cytogenetic location: 22q13.33.
Variant type: single nucleotide variant.
Coding change: c.698C>G on transcript NM_000487.6 (MANE Select); coding-DNA position 698, C replaced by G.
Protein change: p.Pro233Arg; replaces proline 233 with arginine.
Molecular consequence: missense variant.
Genome position (GRCh38, 1-based): chr22:50,626,747, G>C on the plus strand (C>G on the coding strand, the complement: ARSA is on the minus strand). VCF-style: chr22-50626747-G-C. GRCh37 (hg19) VCF-style: chr22-51065175-G-C.
Other names: c.698C>G, p.Pro233Arg (NM_001085425.3, NM_001085426.3, NM_001085427.3); c.440C>G, p.Pro147Arg (NM_001085428.3, NM_001362782.2); short protein forms P233R, P147R.
Identifiers: ClinVar variation 1931009 (VCV001931009.5), dbSNP rs2518330295, ClinGen allele CA412176703.